The following is an entry in ClinVar:

ClinVar aggregate classification (germline): Likely benign (1 of 4 stars; one submission).

Allele frequency attached by ClinVar (database versions not stated): 1000 Genomes Project 30x 0.00016; 1000 Genomes Project 0.00020.
gnomAD v4.1: 33 of 1,613,738 alleles (0.002%); highest among the groups gnomAD compares: East Asian, 0.0067%; no homozygotes.

Submission:

CeGaT Center for Human Genetics Tuebingen
Classification: Likely benign. Last evaluated: 2022-12-01. Review status: criteria provided, single submitter. Criteria: CeGaT Center For Human Genetics Tuebingen Variant Classification Criteria Version 2. Collection method: clinical testing. Allele origin: germline. Affected: yes. Observed: 1 variant allele.
Comment: CIT: BP4, BP7

NM_001206999.2(CIT):c.3978C>T (p.Ile1326=)

Gene: CIT (citron rho-interacting serine/threonine kinase; minus strand). Cytogenetic location: 12q24.23.
Variant type: single nucleotide variant.
Coding change: c.3978C>T on transcript NM_001206999.2 (MANE Select); coding-DNA position 3978, C replaced by T.
Protein change: p.Ile1326=; no amino-acid change (isoleucine 1326 retained).
Molecular consequence: synonymous variant.
Genome position (GRCh38, 1-based): chr12:119,718,724, G>A on the plus strand (C>T on the coding strand, the complement: CIT is on the minus strand). VCF-style: chr12-119718724-G-A. GRCh37 (hg19) VCF-style: chr12-120156529-G-A.
Other names: c.3852C>T, p.Ile1284= (NM_007174.3).
Identifiers: ClinVar variation 2643387 (VCV002643387.24), dbSNP rs189457822, ClinGen allele CA6821389.